The following is an entry in ClinVar:

ClinVar aggregate classification (germline): Likely pathogenic (1 of 4 stars; one submission).

Conditions:
Alport syndrome. Also called: Hemorrhagic familial nephritis; Hemorrhagic hereditary nephritis; Congenital hereditary hematuria. Identifiers: Orphanet 63, MedGen C1567741, MONDO:0018965.

Submission:

Natera, Inc.
Classification: Likely pathogenic for Alport syndrome. Last evaluated: 2024-08-23. Review status: criteria provided, single submitter. Criteria: Natera Variant Classification Schema (03/2026). Collection method: clinical testing. Allele origin: germline.
Comment: The c.1070del variant in COL4A3 is a frameshift variant predicted to shift the reading frame beginning at codon 357 and leads to a stop codon 43 codons downstream. This variant is expected to result in nonsense mediated decay, truncation, or a dysfunctional protein product. This variant is rare in the general population with a frequency below the threshold expected for the associated phenotype(s). Given the available evidence, this variant is classified as Likely Pathogenic.

NM_000091.5(COL4A3):c.1070del (p.Gly357fs)

Genes: COL4A3 (collagen type IV alpha 3 chain; plus strand), MFF-DT (MFF divergent transcript; minus strand). Cytogenetic location: 2q36.3.
Variant type: Deletion.
Coding change: c.1070del on transcript NM_000091.5 (MANE Select); coding-DNA position 1070, one base deleted (G; older notation c.1070delG).
Protein change: p.Gly357fs; shifts the reading frame from glycine 357.
Molecular consequence: frameshift variant.
Genome position (GRCh38, 1-based): chr2:227,259,833, G deleted; the last of 2 consecutive G bases (chr2:227,259,832-227,259,833); deleting either gives the same sequence. VCF-style (leftmost placement, unchanged base first): chr2-227259831-AG-A. GRCh37 (hg19) VCF-style: chr2-228124547-AG-A.
Other names: c.1070delG, p.Gly357Alafs (NM_000091.4); short protein forms G357fs.
Identifiers: ClinVar variation 4817125 (VCV004817125.1).
Genomic context (GRCh38, chr2:227,259,831, plus strand): 5'-ATTTGTTTCTTTCTCCTCTAAGACAGAATATTATGACACATACCAGGAAAAGGGAGATGA[AG>A]GCACTCCAGGCCCACCAGGGCCCAGAGGAGCTCGTGGCCCACAAGGTAAGAATAAATTTC-3'